The following is an entry in ClinVar:

ClinVar aggregate classification (germline): Conflicting classifications of pathogenicity. Review status: criteria provided, conflicting classifications (1 of 4 stars). 4 submissions from 4 submitters: Uncertain significance (3); Likely benign (1). Last evaluated 2025-05-21.

Conditions:
Hereditary cancer-predisposing syndrome. Also called: Neoplastic Syndromes, Hereditary; Hereditary neoplastic syndrome; Hereditary Cancer Syndrome; Tumor predisposition. Identifiers: Orphanet 140162, MedGen C0027672, MeSH D009386, MONDO:0015356.
Tuberous sclerosis 1 (TSC1). Identifiers: Orphanet 805, MedGen C1854465, MONDO:0008612, OMIM 191100.
Lymphangiomyomatosis (LAM). Also called: Lymphangioleiomyomatosis, somatic; Lymphangioleiomyomatosis. Identifiers: Orphanet 538, MedGen C0751674, MONDO:0011705, OMIM 606690.
Isolated focal cortical dysplasia type II (FCORD2). Also called: Focal cortical dysplasia type II; CORTICAL DYSPLASIA OF TAYLOR. Identifiers: Orphanet 268994, MedGen C1846385, MONDO:0011818, OMIM 607341, HP:0032051.

Allele frequency attached by ClinVar (database versions not stated): gnomAD exomes below 0.00001.
gnomAD v4.1: 2 of 1,612,182 alleles (0.00012%); highest among the groups gnomAD compares: Non-Finnish European, 0.000085%; no homozygotes.

Submissions (4):

Labcorp Genetics (formerly Invitae), Labcorp
Classification: Likely benign for Tuberous sclerosis 1. Last evaluated: 2025-05-21. Review status: criteria provided, single submitter. Criteria: Invitae Variant Classification Sherloc (09022015). Collection method: clinical testing. Allele origin: germline.

Ambry Genetics
Classification: Uncertain significance for Hereditary cancer-predisposing syndrome. Last evaluated: 2025-01-22. Review status: criteria provided, single submitter. Criteria: Ambry Variant Classification Scheme 2023. Collection method: clinical testing. Allele origin: germline.
Comment: The p.G560D variant (also known as c.1679G>A), located in coding exon 13 of the TSC1 gene, results from a G to A substitution at nucleotide position 1679. The glycine at codon 560 is replaced by aspartic acid, an amino acid with similar properties. This amino acid position is well conserved in available vertebrate species. In addition, the in silico prediction for this alteration is inconclusive. Based on the available evidence, the clinical significance of this variant remains unclear.

Fulgent Genetics
Classification: Uncertain significance for Tuberous sclerosis 1; Lymphangiomyomatosis; Isolated focal cortical dysplasia type II. Last evaluated: 2024-06-19. Review status: criteria provided, single submitter. Criteria: ACMG Guidelines, 2015. Collection method: clinical testing. Allele origin: germline.

Genome-Nilou Lab
Classification: Uncertain significance for Tuberous sclerosis 1. Last evaluated: 2021-11-07. Review status: criteria provided, single submitter. Criteria: ACMG Guidelines, 2015. Collection method: clinical testing. Allele origin: germline. Affected: no.

NM_000368.5(TSC1):c.1679G>A (p.Gly560Asp)

Gene: TSC1 (TSC complex subunit 1; minus strand). Cytogenetic location: 9q34.13.
Variant type: single nucleotide variant.
Coding change: c.1679G>A on transcript NM_000368.5 (MANE Select); coding-DNA position 1679, G replaced by A.
Protein change: p.Gly560Asp; replaces glycine 560 with aspartic acid.
Molecular consequence: missense variant.
Genome position (GRCh38, 1-based): chr9:132,905,899, C>T on the plus strand (G>A on the coding strand, the complement: TSC1 is on the minus strand). VCF-style: chr9-132905899-C-T. GRCh37 (hg19) VCF-style: chr9-135781286-C-T.
Other names: c.1676G>A, p.Gly559Asp (NM_001162426.2); c.1526G>A, p.Gly509Asp (NM_001162427.2); c.1316G>A, p.Gly439Asp (NM_001362177.2); short protein forms G560D, G439D, G509D, G559D.
Identifiers: ClinVar variation 589760 (VCV000589760.56), dbSNP rs1395737285, ClinGen allele CA375364274.